The following is an entry in ClinVar:

NM_001128840.3(CACNA1D):c.5492A>G (p.His1831Arg)

Gene: CACNA1D (calcium voltage-gated channel subunit alpha1 D; plus strand). Cytogenetic location: 3p21.1.
Variant type: single nucleotide variant.
Coding change: c.5492A>G on transcript NM_001128840.3 (MANE Select); coding-DNA position 5492, A replaced by G.
Protein change: p.His1831Arg; replaces histidine 1831 with arginine.
Molecular consequence: missense variant.
Genome position (GRCh38, 1-based): chr3:53,803,479, A>G. VCF-style: chr3-53803479-A-G. GRCh37 (hg19) VCF-style: chr3-53837506-A-G.
Other names: c.5552A>G, p.His1851Arg (NM_000720.4); c.5420A>G, p.His1807Arg (NM_001128839.3); short protein forms H1807R, H1851R, H1831R.
Identifiers: ClinVar variation 1030884 (VCV001030884.1), dbSNP rs1176833638, ClinGen allele CA353253429.

ClinVar aggregate classification (germline): Uncertain significance (1 of 4 stars; one submission).

Conditions:
Aldosterone-producing adenoma with seizures and neurological abnormalities. Also called: Primary aldosteronism, seizures, and neurologic abnormalities. Identifiers: Orphanet 369929, MedGen C3809609, MONDO:0014200, OMIM 615474.

Allele frequency attached by ClinVar (database versions not stated): gnomAD 0.00001; TOPMed 0.00001 and 0.00002.

Submission:

Baylor Genetics
Classification: Uncertain significance for Aldosterone-producing adenoma with seizures and neurological abnormalities. Last evaluated: 2020-03-12. Review status: criteria provided, single submitter. Criteria: ACMG Guidelines, 2015. Collection method: clinical testing. Allele origin: unknown. Affected: yes.
Comment: This variant was determined to be of uncertain significance according to ACMG Guidelines, 2015 [PMID:25741868].